The following is an entry in ClinVar:

ClinVar aggregate classification (germline): Conflicting classifications of pathogenicity. Review status: criteria provided, conflicting classifications (1 of 4 stars). 5 submissions from 5 submitters: Uncertain significance (4); Likely benign (1). Last evaluated 2025-12-15.

Conditions:
PLEC-related disorder. Also called: PLEC-related condition; PLEC-related disorders.
Epidermolysis bullosa simplex 5C, with pyloric atresia (EBS5C). Also called: PLEC-Related Epidermolysis Bullosa with Pyloric Atresia; Epidermolysis bullosa simplex with pyloric atresia; PLEC1-Related Epidermolysis Bullosa with Pyloric Atresia. Identifiers: Orphanet 158684, MedGen C2677349, MONDO:0012807, OMIM 612138.
Epidermolysis bullosa simplex with nail dystrophy (EBS5D). Identifiers: MedGen C4225309, MONDO:0014661, OMIM 616487.
Autosomal recessive limb-girdle muscular dystrophy type 2Q (LGMDR17). Also called: MUSCULAR DYSTROPHY, LIMB-GIRDLE, AUTOSOMAL RECESSIVE 17. Identifiers: Orphanet 254361, MedGen C3150989, MONDO:0013390, OMIM 613723.
Epidermolysis bullosa simplex, Ogna type (EBS5A). Also called: Pidermolysis bullosa simplex 5A, Ogna type; EPIDERMOLYSIS BULLOSA SIMPLEX 5A, OGNA TYPE. Identifiers: Orphanet 79401, MedGen C0432317, MONDO:0007555, OMIM 131950.
Epidermolysis bullosa simplex 5B, with muscular dystrophy (EBS5B). Also called: EPIDERMOLYSIS BULLOSA SIMPLEX AND LIMB-GIRDLE MUSCULAR DYSTROPHY; Epidermolysis bullosa simplex with muscular dystrophy. Identifiers: Orphanet 257, MedGen C2931072, MONDO:0009181, OMIM 226670.
Inborn genetic diseases. Identifiers: MedGen C0950123, MeSH D030342.

Allele frequency attached by ClinVar (database versions not stated): gnomAD 0.00040 and 0.00037; TOPMed 0.00048; gnomAD exomes 0.00004 and 0.00012; ExAC 0.00012; 1000 Genomes Project 30x 0.00016; 1000 Genomes Project 0.00020; ESP Exome Variant Server 0.00023.
gnomAD v4.1: 122 of 1,612,356 alleles (0.0076%); highest among the groups gnomAD compares: African/African-American, 0.11%; no homozygotes.

Submissions (5):

Labcorp Genetics (formerly Invitae), Labcorp
Classification: Uncertain significance for Autosomal recessive limb-girdle muscular dystrophy type 2Q; Epidermolysis bullosa simplex, Ogna type; Epidermolysis bullosa simplex with nail dystrophy; Epidermolysis bullosa simplex 5C, with pyloric atresia; Epidermolysis bullosa simplex 5B, with muscular dystrophy. Last evaluated: 2025-12-15. Review status: criteria provided, single submitter. Criteria: Invitae Variant Classification Sherloc (09022015). Collection method: clinical testing. Allele origin: germline.
Comment: This sequence change replaces arginine, which is basic and polar, with cysteine, which is neutral and slightly polar, at codon 2716 of the PLEC protein (p.Arg2716Cys). This variant is present in population databases (rs373228579, gnomAD 0.1%). This variant has not been reported in the literature in individuals affected with PLEC-related conditions. ClinVar contains an entry for this variant (Variation ID: 284598). An algorithm developed to predict the effect of missense changes on protein structure and function outputs the following: PolyPhen-2: "Benign". The cysteine amino acid residue is found in multiple mammalian species, which suggests that this missense change does not adversely affect protein function. In summary, the available evidence is currently insufficient to determine the role of this variant in disease. Therefore, it has been classified as a Variant of Uncertain Significance.

PreventionGenetics, part of Exact Sciences
Classification: Uncertain significance for PLEC-related condition. Last evaluated: 2025-11-07. Review status: criteria provided, single submitter. Criteria: ACMG Guidelines, 2015. Collection method: clinical testing. Allele origin: germline.
Comment: The PLEC c.8146C>T variant is predicted to result in the amino acid substitution p.Arg2716Cys. To our knowledge, this variant has not been reported in the literature. This variant is reported in 0.12% of alleles in individuals of African descent in gnomAD. Although we suspect that this variant may be benign, at this time, the clinical significance of this variant is uncertain due to the absence of conclusive functional and genetic evidence.

Ambry Genetics
Classification: Uncertain significance for Inborn genetic diseases. Last evaluated: 2025-08-20. Review status: criteria provided, single submitter. Criteria: Ambry Variant Classification Scheme 2023. Collection method: clinical testing. Allele origin: germline.

Revvity Omics, Revvity
Classification: Likely benign. Last evaluated: 2024-10-22. Review status: criteria provided, single submitter. Criteria: ACMG Guidelines, 2015. Collection method: clinical testing. Allele origin: germline.

Eurofins Ntd Llc (ga)
Classification: Uncertain significance. Last evaluated: 2017-11-14. Review status: criteria provided, single submitter. Criteria: EGL Classification Definitions 2015. Collection method: clinical testing. Allele origin: germline. Observed: 4 variant alleles, 3 heterozygotes.

NM_201384.3(PLEC):c.8065C>T (p.Arg2689Cys)

Gene: PLEC (plectin; minus strand). Cytogenetic location: 8q24.3.
Variant type: single nucleotide variant.
Coding change: c.8065C>T on transcript NM_201384.3 (MANE Select); coding-DNA position 8065, C replaced by T.
Protein change: p.Arg2689Cys; replaces arginine 2689 with cysteine.
Molecular consequence: missense variant.
Genome position (GRCh38, 1-based): chr8:143,921,756, G>A on the plus strand (C>T on the coding strand, the complement: PLEC is on the minus strand). VCF-style: chr8-143921756-G-A. GRCh37 (hg19) VCF-style: chr8-144995924-G-A.
Other names: c.8146C>T, p.Arg2716Cys (NM_000445.5); c.8023C>T, p.Arg2675Cys (NM_201378.4); c.7999C>T, p.Arg2667Cys (NM_201379.3); c.8476C>T, p.Arg2826Cys (NM_201380.4); c.7969C>T, p.Arg2657Cys (NM_201381.3); c.8065C>T, p.Arg2689Cys (NM_201382.4); c.8077C>T, p.Arg2693Cys (NM_201383.3); c.8146C>T (NM_000445.3); short protein forms R2675C, R2657C, R2667C, R2689C, R2693C, R2716C, R2826C.
Identifiers: ClinVar variation 284598 (VCV000284598.18), dbSNP rs373228579, ClinGen allele CA4925430.